The following is an entry in ClinVar:

ClinVar aggregate classification (germline): Benign/Likely benign. Review status: criteria provided, multiple submitters, no conflicts (2 of 4 stars). 16 submissions from 16 submitters: Benign (8); Likely benign (4). 4 of the submissions do not count toward it. Last evaluated 2026-09-01.

Conditions:
Kufor-Rakeb syndrome (KRS). Also called: PARKINSON DISEASE 9, AUTOSOMAL RECESSIVE, JUVENILE-ONSET. Identifiers: Orphanet 306674, Orphanet 314632, MedGen C1847640, MONDO:0011706, OMIM 606693.
Autosomal recessive spastic paraplegia type 78. Identifiers: Orphanet 513436, MedGen C5567893, MONDO:0014975, OMIM 617225.
Inborn genetic diseases. Identifiers: MedGen C0950123, MeSH D030342.

Allele frequency attached by ClinVar (database versions not stated): 1000 Genomes Project 0.00619; 1000 Genomes Project 30x 0.00640; TOPMed 0.01135; ESP Exome Variant Server 0.01196; gnomAD 0.01203; ExAC 0.01830.

Submissions (38):

CeGaT Center for Human Genetics Tuebingen
Classification: Benign. Last evaluated: 2026-09-01. Review status: criteria provided, single submitter. Criteria: CeGaT Center For Human Genetics Tuebingen Variant Classification Criteria Version 2. Collection method: clinical testing. Allele origin: germline. Affected: yes. Observed: 94 variant alleles.
Comment: ATP13A2: BP4, BS1, BS2

Labcorp Genetics (formerly Invitae), Labcorp
Classification: Benign for Kufor-Rakeb syndrome; Autosomal recessive spastic paraplegia type 78. Last evaluated: 2026-02-04. Review status: criteria provided, single submitter. Criteria: Invitae Variant Classification Sherloc (09022015). Collection method: clinical testing. Allele origin: germline.

Blueprint Genetics
Classification: Likely benign. Last evaluated: 2024-11-26. Review status: criteria provided, single submitter. Criteria: ACMG Guidelines, 2015. Collection method: clinical testing. Allele origin: germline.

Athena Diagnostics
Classification: Benign. Last evaluated: 2024-09-25. Review status: criteria provided, single submitter. Criteria: Athena Diagnostics Criteria. Collection method: clinical testing. Allele origin: unknown.

Women's Health and Genetics/Laboratory Corporation of America, LabCorp
Classification: Likely benign. Last evaluated: 2021-12-10. Review status: criteria provided, single submitter. Criteria: LabCorp Variant Classification Summary - May 2015. Collection method: clinical testing. Allele origin: germline.

GeneDx
Classification: Benign. Last evaluated: 2019-10-09. Review status: criteria provided, single submitter. Criteria: GeneDx Variant Classification Process June 2021. Collection method: clinical testing. Allele origin: germline. Affected: yes.
Comment: This variant is associated with the following publications: (PMID: 27294386, 19705361, 22743658, 22995991)

Illumina Laboratory Services, Illumina
Classification: Likely benign for Kufor-Rakeb syndrome. Last evaluated: 2017-04-27. Review status: criteria provided, single submitter. Criteria: ICSL Variant Classification Criteria 13 December 2019. Collection method: clinical testing. Allele origin: germline.
Comment: This variant was observed as part of a predisposition screen in an ostensibly healthy population. A literature search was performed for the gene, cDNA change, and amino acid change (where applicable). No publications were found based on this search. Allele frequency data from public databases allowed determination this variant is unlikely to cause disease. Therefore, this variant is classified as likely benign.

Ambry Genetics
Classification: Benign for Inborn genetic diseases. Last evaluated: 2016-04-11. Review status: criteria provided, single submitter. Criteria: Ambry Variant Classification Scheme 2023. Collection method: clinical testing. Allele origin: germline.

Eurofins Ntd Llc (ga)
Classification: Benign. Last evaluated: 2015-01-22. Review status: criteria provided, single submitter. Criteria: EGL Classification Definitions 2015. Collection method: clinical testing. Allele origin: germline. Observed: 2 variant alleles, 2 heterozygotes.

Genetic Services Laboratory, University of Chicago
Classification: Benign for AllHighlyPenetrant. Last evaluated: 2013-08-16. Review status: criteria provided, single submitter. Criteria: ACMG Guidelines, 2007. Collection method: clinical testing. Allele origin: germline. Inheritance: Autosomal recessive inheritance.

Breakthrough Genomics
Classification: Likely benign. Review status: criteria provided, single submitter. Criteria: ACMG Guidelines, 2015. Collection method: not provided. Allele origin: germline. Inheritance: Autosomal recessive inheritance. Affected: yes.

PreventionGenetics, part of Exact Sciences
Classification: Benign. Review status: criteria provided, single submitter. Criteria: ACMG Guidelines, 2015. Collection method: clinical testing. Allele origin: germline.

Mayo Clinic Laboratories, Mayo Clinic
Classification: Uncertain significance. Last evaluated: 2017-11-13. Review status: no assertion criteria provided. Collection method: clinical testing. Allele origin: unknown. Not counted in ClinVar's aggregate classification.

Clinical Genetics DNA and cytogenetics Diagnostics Lab, Erasmus MC, Erasmus Medical Center
Classification: Likely benign. Review status: no assertion criteria provided. Collection method: clinical testing. Allele origin: germline. Affected: yes. Study: VKGL Data-share Consensus. Not counted in ClinVar's aggregate classification.

Dr. Peter K. Rogan Lab, Western University
No classification provided (evidence only). Condition: Clear cell carcinoma of kidney. Review status: no classification provided. Collection method: in vitro. Allele origin: not applicable. Functional consequence: retained intron. Not counted in ClinVar's aggregate classification.

Dr. Peter K. Rogan Lab, Western University
No classification provided (evidence only). Condition: Clear cell carcinoma of kidney. Review status: no classification provided. Collection method: in vitro. Allele origin: not applicable. Functional consequence: retained intron. Not counted in ClinVar's aggregate classification.

Dr. Peter K. Rogan Lab, Western University
No classification provided (evidence only). Condition: Clear cell carcinoma of kidney. Review status: no classification provided. Collection method: in vitro. Allele origin: not applicable. Functional consequence: retained intron. Not counted in ClinVar's aggregate classification.

Dr. Peter K. Rogan Lab, Western University
No classification provided (evidence only). Condition: Lung cancer. Review status: no classification provided. Collection method: in vitro. Allele origin: not applicable. Functional consequence: retained intron. Not counted in ClinVar's aggregate classification.

Dr. Peter K. Rogan Lab, Western University
No classification provided (evidence only). Condition: Lung cancer. Review status: no classification provided. Collection method: in vitro. Allele origin: not applicable. Functional consequence: retained intron. Not counted in ClinVar's aggregate classification.

Dr. Peter K. Rogan Lab, Western University
No classification provided (evidence only). Condition: Lung cancer. Review status: no classification provided. Collection method: in vitro. Allele origin: not applicable. Functional consequence: retained intron. Not counted in ClinVar's aggregate classification.

Dr. Peter K. Rogan Lab, Western University
No classification provided (evidence only). Condition: Melanoma. Review status: no classification provided. Collection method: in vitro. Allele origin: not applicable. Functional consequence: retained intron. Not counted in ClinVar's aggregate classification.

Dr. Peter K. Rogan Lab, Western University
No classification provided (evidence only). Condition: Colon adenocarcinoma. Review status: no classification provided. Collection method: in vitro. Allele origin: not applicable. Functional consequence: retained intron. Not counted in ClinVar's aggregate classification.

Dr. Peter K. Rogan Lab, Western University
No classification provided (evidence only). Condition: Colon adenocarcinoma. Review status: no classification provided. Collection method: in vitro. Allele origin: not applicable. Functional consequence: retained intron. Not counted in ClinVar's aggregate classification.

Dr. Peter K. Rogan Lab, Western University
No classification provided (evidence only). Condition: Colorectal cancer. Review status: no classification provided. Collection method: in vitro. Allele origin: not applicable. Functional consequence: retained intron. Not counted in ClinVar's aggregate classification.

Dr. Peter K. Rogan Lab, Western University
No classification provided (evidence only). Condition: Thyroid cancer, nonmedullary, 1. Review status: no classification provided. Collection method: in vitro. Allele origin: not applicable. Functional consequence: retained intron. Not counted in ClinVar's aggregate classification.

Dr. Peter K. Rogan Lab, Western University
No classification provided (evidence only). Condition: Thyroid cancer, nonmedullary, 1. Review status: no classification provided. Collection method: in vitro. Allele origin: not applicable. Functional consequence: retained intron. Not counted in ClinVar's aggregate classification.

Dr. Peter K. Rogan Lab, Western University
No classification provided (evidence only). Condition: Cervical cancer. Review status: no classification provided. Collection method: in vitro. Allele origin: not applicable. Functional consequence: retained intron. Not counted in ClinVar's aggregate classification.

Dr. Peter K. Rogan Lab, Western University
No classification provided (evidence only). Condition: Sarcoma. Review status: no classification provided. Collection method: in vitro. Allele origin: not applicable. Functional consequence: retained intron. Not counted in ClinVar's aggregate classification.

Dr. Peter K. Rogan Lab, Western University
No classification provided (evidence only). Condition: Sarcoma. Review status: no classification provided. Collection method: in vitro. Allele origin: not applicable. Functional consequence: retained intron. Not counted in ClinVar's aggregate classification.

Dr. Peter K. Rogan Lab, Western University
No classification provided (evidence only). Condition: Sarcoma. Review status: no classification provided. Collection method: in vitro. Allele origin: not applicable. Functional consequence: retained intron. Not counted in ClinVar's aggregate classification.

Dr. Peter K. Rogan Lab, Western University
No classification provided (evidence only). Condition: Nonpapillary renal cell carcinoma. Review status: no classification provided. Collection method: in vitro. Allele origin: not applicable. Functional consequence: retained intron. Not counted in ClinVar's aggregate classification.

Dr. Peter K. Rogan Lab, Western University
No classification provided (evidence only). Condition: Nonpapillary renal cell carcinoma. Review status: no classification provided. Collection method: in vitro. Allele origin: not applicable. Functional consequence: retained intron. Not counted in ClinVar's aggregate classification.

Dr. Peter K. Rogan Lab, Western University
No classification provided (evidence only). Condition: Thymoma. Review status: no classification provided. Collection method: in vitro. Allele origin: not applicable. Functional consequence: retained intron. Not counted in ClinVar's aggregate classification.

Dr. Peter K. Rogan Lab, Western University
No classification provided (evidence only). Condition: Ovarian serous cystadenocarcinoma. Review status: no classification provided. Collection method: in vitro. Allele origin: not applicable. Functional consequence: retained intron. Not counted in ClinVar's aggregate classification.

Dr. Peter K. Rogan Lab, Western University
No classification provided (evidence only). Condition: Ovarian serous cystadenocarcinoma. Review status: no classification provided. Collection method: in vitro. Allele origin: not applicable. Functional consequence: retained intron. Not counted in ClinVar's aggregate classification.

Dr. Peter K. Rogan Lab, Western University
No classification provided (evidence only). Condition: Ovarian serous cystadenocarcinoma. Review status: no classification provided. Collection method: in vitro. Allele origin: not applicable. Functional consequence: retained intron. Not counted in ClinVar's aggregate classification.

Genome Diagnostics Laboratory, Amsterdam University Medical Center
Classification: Likely benign. Review status: no assertion criteria provided. Collection method: clinical testing. Allele origin: germline. Affected: yes. Study: VKGL Data-share Consensus. Not counted in ClinVar's aggregate classification.

Laboratory of Diagnostic Genome Analysis, Leiden University Medical Center (LUMC)
Classification: Likely benign. Review status: no assertion criteria provided. Collection method: clinical testing. Allele origin: germline. Affected: yes. Study: VKGL Data-share Consensus. Not counted in ClinVar's aggregate classification.

Literature cited by the submitters: PubMed 33335927 (cited by Athena Diagnostics); PubMed 19705361 (cited by Athena Diagnostics); PubMed 22995991 (cited by Athena Diagnostics); PubMed 22743658 (cited by Athena Diagnostics); PubMed 27294386 (cited by Athena Diagnostics).

NM_022089.4(ATP13A2):c.881G>A (p.Arg294Gln)

Gene: ATP13A2 (ATPase cation transporting 13A2; minus strand). Cytogenetic location: 1p36.13.
Variant type: single nucleotide variant.
Coding change: c.881G>A on transcript NM_022089.4 (MANE Select); coding-DNA position 881, G replaced by A.
Protein change: p.Arg294Gln; replaces arginine 294 with glutamine.
Molecular consequence: missense variant.
Genome position (GRCh38, 1-based): chr1:17,000,272, C>T on the plus strand (G>A on the coding strand, the complement: ATP13A2 is on the minus strand). VCF-style: chr1-17000272-C-T. GRCh37 (hg19) VCF-style: chr1-17326767-C-T.
Other names: c.866G>A, p.Arg289Gln (NM_001141973.3, NM_001141974.3); short protein forms R294Q, R289Q.
Identifiers: ClinVar variation 128476 (VCV000128476.97), dbSNP rs56367069, ClinGen allele CA151966.